The following is an entry in ClinVar:

NM_001356.5(DDX3X):c.553G>A (p.Val185Ile)

Gene: DDX3X (DEAD-box helicase 3 X-linked; plus strand). Cytogenetic location: Xp11.4.
Variant type: single nucleotide variant.
Coding change: c.553G>A on transcript NM_001356.5 (MANE Select); coding-DNA position 553, G replaced by A.
Protein change: p.Val185Ile; replaces valine 185 with isoleucine.
Molecular consequence: missense variant. On other transcripts: 5 prime UTR variant (1), non-coding transcript variant (1).
Genome position (GRCh38, 1-based): chrX:41,343,225, G>A. VCF-style: chrX-41343225-G-A. GRCh37 (hg19) VCF-style: chrX-41202478-G-A.
Other names: c.553G>A, p.Val185Ile (NM_001193416.3); c.505G>A, p.Val169Ile (NM_001193417.3); c.-6G>A (NM_001363819.1); short protein forms V169I, V185I.
Identifiers: ClinVar variation 2136022 (VCV002136022.1), dbSNP rs2519511057, ClinGen allele CA412767695.
Genomic context (GRCh38, chrX:41,343,225, plus strand): 5'-AACAGAAATAGCTCTAGATAGCATTCCTAACCCCATTGAATTTCTTAACAGTTCAGTGAT[G>A]TTGAGATGGGAGAAATTATCATGGGAAACATTGAGCTTACTCGTTATACTCGCCCAACTC-3'
Protein context (NP_001347.3, residues 175-195): CPPHIESFSD[Val185Ile]EMGEIIMGNI

ClinVar aggregate classification (germline): Uncertain significance (1 of 4 stars; one submission).

gnomAD v4.1: 1 of 1,207,730 alleles (0.000083%); no homozygotes.

Submission:

GeneDx
Classification: Uncertain significance. Last evaluated: 2022-07-01. Review status: criteria provided, single submitter. Criteria: GeneDx Variant Classification Process June 2021. Collection method: clinical testing. Allele origin: germline. Affected: yes.
Comment: Not observed at significant frequency in large population cohorts (gnomAD); In silico analysis supports that this missense variant does not alter protein structure/function; Has not been previously published as pathogenic or benign to our knowledge